The following is an entry in ClinVar:

NM_012463.4(ATP6V0A2):c.208C>T (p.Gln70Ter)

Gene: ATP6V0A2 (ATPase H+ transporting V0 subunit a2; plus strand). Cytogenetic location: 12q24.31.
Variant type: single nucleotide variant.
Coding change: c.208C>T on transcript NM_012463.4 (MANE Select); coding-DNA position 208, C replaced by T.
Protein change: p.Gln70Ter; replaces glutamine 70 with a stop codon.
Molecular consequence: nonsense.
Genome position (GRCh38, 1-based): chr12:123,722,362, C>T. VCF-style: chr12-123722362-C-T. GRCh37 (hg19) VCF-style: chr12-124206909-C-T.
Other names: short protein forms Q70*.
Identifiers: ClinVar variation 3574388 (VCV003574388.2).

ClinVar aggregate classification (germline): Pathogenic/Likely pathogenic. Review status: criteria provided, multiple submitters, no conflicts (2 of 4 stars). 2 submissions from 2 submitters: Pathogenic (1); Likely pathogenic (1). Last evaluated 2025-10-08.

Conditions:
Wrinkly skin syndrome (WSS). Also called: Type of Gerodermia osteodysplastica. Identifiers: Orphanet 2834, MedGen C0406587, MONDO:0010208, OMIM 278250.
Cutis laxa with osteodystrophy (ARCL2A). Also called: Debré-Type Cutis Laxa; CUTIS LAXA WITH CONGENITAL DISORDER OF GLYCOSYLATION; CUTIS LAXA, AUTOSOMAL RECESSIVE, TYPE IIA; CUTIS LAXA WITH BONE DYSTROPHY; CUTIS LAXA WITH GROWTH AND DEVELOPMENTAL DELAY; CUTIS LAXA WITH JOINT LAXITY AND RETARDED DEVELOPMENT. Identifiers: Orphanet 357058, MedGen C0268355, MONDO:0018163, OMIM 219200. Disease mechanism: loss of function.
ALG9 congenital disorder of glycosylation (CDG1L). Also called: CDG Il; ALG9-CDG; CONGENITAL DISORDER OF GLYCOSYLATION, TYPE Il. Identifiers: Orphanet 79328, MedGen C2931006, MONDO:0012117, OMIM 608776.

gnomAD v4.1: 2 of 1,599,508 alleles (0.00013%); highest among the groups gnomAD compares: Non-Finnish European, 0.00017%; no homozygotes.

Submissions (2):

Labcorp Genetics (formerly Invitae), Labcorp
Classification: Pathogenic for ALG9 congenital disorder of glycosylation. Last evaluated: 2025-10-08. Review status: criteria provided, single submitter. Criteria: Invitae Variant Classification Sherloc (09022015). Collection method: clinical testing. Allele origin: germline.
Comment: This sequence change creates a premature translational stop signal (p.Gln70*) in the ATP6V0A2 gene. It is expected to result in an absent or disrupted protein product. Loss-of-function variants in ATP6V0A2 are known to be pathogenic (PMID: 18157129, 19321599). This variant is not present in population databases (gnomAD no frequency). This variant has not been reported in the literature in individuals affected with ATP6V0A2-related conditions. ClinVar contains an entry for this variant (Variation ID: 3574388). For these reasons, this variant has been classified as Pathogenic.

Fulgent Genetics
Classification: Likely pathogenic for Cutis laxa with osteodystrophy; Wrinkly skin syndrome. Last evaluated: 2024-01-02. Review status: criteria provided, single submitter. Criteria: ACMG Guidelines, 2015. Collection method: clinical testing. Allele origin: germline.

Literature cited by the submitters: PubMed 18157129 (cited by Labcorp Genetics (formerly Invitae), Labcorp); PubMed 19321599 (cited by Labcorp Genetics (formerly Invitae), Labcorp).